The following is an entry in ClinVar:

NM_001184880.2(PCDH19):c.2266_2273del (p.Lys756fs)

Genes: PCDH19 (protocadherin 19; minus strand), LOC125467768 (CDK7 strongly-dependent group 2 enhancer GRCh37_chrX:99657381-99658580; plus strand). Cytogenetic location: Xq22.1.
Variant type: Deletion.
Coding change: c.2266_2273del on transcript NM_001184880.2 (MANE Select); coding-DNA positions 2266 to 2273, 8 bases deleted (AAAGTGAG; older notation c.2266_2273delAAAGTGAG).
Protein change: p.Lys756fs; shifts the reading frame from lysine 756.
Molecular consequence: frameshift variant. On other transcripts: intron variant (2).
Genome position (GRCh38, 1-based): chrX:100,403,539-100,403,546, CTCACTTT deleted on the plus strand (AAAGTGAG on the coding strand, the reverse complement: PCDH19 is on the minus strand); deleting any 8 consecutive bases within chrX:100,403,539-100,403,549 gives the same sequence; the c. name uses the placement nearest the transcript's 3' end. VCF-style (leftmost placement, unchanged base first): chrX-100403538-GCTCACTTT-G. GRCh37 (hg19) VCF-style: chrX-99658536-GCTCACTTT-G.
Other names: c.2148-695_2148-688del (NM_020766.3, NM_001105243.2); short protein forms K756fs.
Identifiers: ClinVar variation 2814395 (VCV002814395.3), dbSNP rs2520962727, ClinGen allele CA2739273657.

ClinVar aggregate classification (germline): Pathogenic (1 of 4 stars; one submission).

Conditions:
Developmental and epileptic encephalopathy, 9 (DEE9). Also called: EPILEPSY, FEMALE-RESTRICTED, WITH MENTAL RETARDATION; Early infantile epileptic encephalopathy 9; JUBERG-HELLMAN SYNDROME; PCDH19-Related X-Linked Female-Limited Epilepsy with Mental Retardation. Identifiers: Orphanet 101039, Orphanet 2076, MedGen C1848137, MONDO:0010246, OMIM 300088. Disease mechanism: loss of function.

Submission:

Labcorp Genetics (formerly Invitae), Labcorp
Classification: Pathogenic for Developmental and epileptic encephalopathy, 9. Last evaluated: 2023-03-17. Review status: criteria provided, single submitter. Criteria: Invitae Variant Classification Sherloc (09022015). Collection method: clinical testing. Allele origin: germline.
Comment: For these reasons, this variant has been classified as Pathogenic. Algorithms developed to predict the effect of sequence changes on RNA splicing suggest that this variant may create or strengthen a splice site. This variant has not been reported in the literature in individuals affected with PCDH19-related conditions. This variant is not present in population databases (gnomAD no frequency). This sequence change creates a premature translational stop signal (p.Lys756Profs*8) in the PCDH19 gene. It is expected to result in an absent or disrupted protein product. Loss-of-function variants in PCDH19 are known to be pathogenic (PMID: 21053371).

Literature cited by the submitters: PubMed 21053371.